The following is an entry in ClinVar:

NM_033310.3(KCNK4):c.245A>G (p.Asn82Ser)

Genes: KCNK4 (potassium two pore domain channel subfamily K member 4; plus strand), KCNK4-CATSPERZ (KCNK4-CATSPERZ readthrough (NMD candidate); plus strand). Cytogenetic location: 11q13.1.
Variant type: single nucleotide variant.
Coding change: c.245A>G on transcript NM_033310.3 (MANE Select); coding-DNA position 245, A replaced by G.
Protein change: p.Asn82Ser; replaces asparagine 82 with serine.
Molecular consequence: missense variant. On other transcripts: non-coding transcript variant (3).
Genome position (GRCh38, 1-based): chr11:64,296,933, A>G. VCF-style: chr11-64296933-A-G. GRCh37 (hg19) VCF-style: chr11-64064405-A-G.
Other names: c.245A>G, p.Asn82Ser (NM_001317090.2); short protein forms N82S.
Identifiers: ClinVar variation 4723061 (VCV004723061.1).

ClinVar aggregate classification (germline): Uncertain significance (1 of 4 stars; one submission).

Submission:

Labcorp Genetics (formerly Invitae), Labcorp
Classification: Uncertain significance. Last evaluated: 2025-07-13. Review status: criteria provided, single submitter. Criteria: Invitae Variant Classification Sherloc (09022015). Collection method: clinical testing. Allele origin: germline.
Comment: This sequence change replaces asparagine, which is neutral and polar, with serine, which is neutral and polar, at codon 82 of the KCNK4 protein (p.Asn82Ser). This variant is not present in population databases (gnomAD no frequency). This variant has not been reported in the literature in individuals affected with KCNK4-related conditions. An algorithm developed to predict the effect of missense changes on protein structure and function (PolyPhen-2) suggests that this variant is likely to be tolerated. In summary, the available evidence is currently insufficient to determine the role of this variant in disease. Therefore, it has been classified as a Variant of Uncertain Significance.